The following is an entry in ClinVar:

NM_015295.3(SMCHD1):c.853G>A (p.Gly285Arg)

Gene: SMCHD1 (structural maintenance of chromosomes flexible hinge domain containing 1; plus strand). Cytogenetic location: 18p11.32.
Variant type: single nucleotide variant.
Coding change: c.853G>A on transcript NM_015295.3 (MANE Select); coding-DNA position 853, G replaced by A.
Protein change: p.Gly285Arg; replaces glycine 285 with arginine.
Molecular consequence: missense variant.
Genome position (GRCh38, 1-based): chr18:2,688,727, G>A. VCF-style: chr18-2688727-G-A. GRCh37 (hg19) VCF-style: chr18-2688725-G-A.
Other names: short protein forms G285R.
Identifiers: ClinVar variation 595400 (VCV000595400.14), dbSNP rs1568144816, ClinGen allele CA401693618.

ClinVar aggregate classification (germline): Uncertain significance. Review status: criteria provided, multiple submitters, no conflicts (2 of 4 stars). 2 submissions from 2 submitters: Uncertain significance (2). Last evaluated 2022-08-09.

Conditions:
Facioscapulohumeral muscular dystrophy 2 (FSHD2). Also called: MUSCULAR DYSTROPHY, FACIOSCAPULOHUMERAL, TYPE 1B; FACIOSCAPULOHUMERAL MUSCULAR DYSTROPHY 2, DIGENIC; FSHD2, DIGENIC. Identifiers: Orphanet 269, MedGen C1834671, MONDO:0008031, OMIM 158901.

Submissions (2):

Labcorp Genetics (formerly Invitae), Labcorp
Classification: Uncertain significance for Facioscapulohumeral muscular dystrophy 2. Last evaluated: 2022-08-09. Review status: criteria provided, single submitter. Criteria: Invitae Variant Classification Sherloc (09022015). Collection method: clinical testing. Allele origin: germline.
Comment: In summary, the available evidence is currently insufficient to determine the role of this variant in disease. Therefore, it has been classified as a Variant of Uncertain Significance. Algorithms developed to predict the effect of missense changes on protein structure and function (SIFT, PolyPhen-2, Align-GVGD) all suggest that this variant is likely to be disruptive. ClinVar contains an entry for this variant (Variation ID: 595400). This missense change has been observed in individual(s) with facioscapulohumeral muscular dystrophy (PMID: 31600781). This variant is not present in population databases (gnomAD no frequency). This sequence change replaces glycine, which is neutral and non-polar, with arginine, which is basic and polar, at codon 285 of the SMCHD1 protein (p.Gly285Arg).

Eurofins Ntd Llc (ga)
Classification: Uncertain significance. Last evaluated: 2017-12-13. Review status: criteria provided, single submitter. Criteria: EGL Classification Definitions 2015. Collection method: clinical testing. Allele origin: germline. Observed: 1 variant allele, 1 heterozygote.

Literature cited by the submitters: PubMed 31600781 (cited by Labcorp Genetics (formerly Invitae), Labcorp).